The following is an entry in ClinVar:

ClinVar aggregate classification (germline): Likely pathogenic (1 of 4 stars; one submission).

Conditions:
Glucose-6-phosphate transport defect (GSD1B). Also called: GSD Ib; Glycogen Storage Disease Type Ib. Identifiers: Orphanet 364, Orphanet 79259, MedGen C0268146, MONDO:0009288, OMIM 232220.

Allele frequency attached by ClinVar (database versions not stated): gnomAD 0.00001; gnomAD exomes 0.00001.

Submission:

Women's Health and Genetics/Laboratory Corporation of America, LabCorp
Classification: Likely pathogenic for Glucose-6-phosphate transport defect. Last evaluated: 2022-07-12. Review status: criteria provided, single submitter. Criteria: LabCorp Variant Classification Summary - May 2015. Collection method: clinical testing. Allele origin: germline.
Comment: Variant summary: SLC37A4 c.148+2T>A is located in a canonical splice-site and is predicted to affect mRNA splicing resulting in a significantly altered protein due to either exon skipping, shortening, or inclusion of intronic material. Several computational tools predict a significant impact on normal splicing: Four predict the variant abolishes the canonical 5' splicing donor site. However, these predictions have yet to be confirmed by functional studies. The variant was absent in 247574 control chromosomes (gnomAD). To our knowledge, no occurrence of c.148+2T>A in individuals affected with Glycogen Storage Disease Type Ib and no experimental evidence demonstrating its impact on protein function have been reported. Other loss of function variants in SLC37A4 have been classified as pathogenic in ClinVar and is associated with Glycogen Storage Disease in HGMD. No clinical diagnostic laboratories have submitted clinical-significance assessments for this variant to ClinVar after 2014. Based on the evidence outlined above, the variant was classified as likely pathogenic.

NM_001164277.2(SLC37A4):c.148+2T>A

Gene: SLC37A4 (solute carrier family 37 member 4; minus strand). Cytogenetic location: 11q23.3.
Variant type: single nucleotide variant.
Coding change: c.148+2T>A on transcript NM_001164277.2 (MANE Select); the canonical splice donor site of the intron after coding-DNA position 148, T replaced by A.
Molecular consequence: splice donor variant. On other transcripts: intron variant (1).
Genome position (GRCh38, 1-based): chr11:119,029,220, A>T on the plus strand (T>A on the coding strand, the complement: SLC37A4 is on the minus strand). VCF-style: chr11-119029220-A-T. GRCh37 (hg19) VCF-style: chr11-118899930-A-T.
Other names: c.-172+172T>A (NM_001164279.2); c.148+2T>A (NM_001467.6, NM_001164278.2, NM_001164280.2).
Identifiers: ClinVar variation 1704519 (VCV001704519.1), dbSNP rs1449998297, ClinGen allele CA382907830.